The following is an entry in ClinVar:

NM_080680.3(COL11A2):c.2324del (p.Gly775fs)

Gene: COL11A2 (collagen type XI alpha 2 chain; minus strand). Cytogenetic location: 6p21.32.
Variant type: Deletion.
Coding change: c.2324del on transcript NM_080680.3 (MANE Select); coding-DNA position 2324, one base deleted (G; older notation c.2324delG).
Protein change: p.Gly775fs; shifts the reading frame from glycine 775.
Molecular consequence: frameshift variant.
Genome position (GRCh38, 1-based): chr6:33,175,626, C deleted on the plus strand (G on the coding strand, the reverse complement: COL11A2 is on the minus strand); the first of 3 consecutive C bases (chr6:33,175,626-33,175,628); deleting any one gives the same sequence. VCF-style (leftmost placement, unchanged base first): chr6-33175625-TC-T. GRCh37 (hg19) VCF-style: chr6-33143402-TC-T.
Other names: c.2144del, p.Gly715fs (NM_001424108.1); c.1478del, p.Gly493fs (NM_001424109.1); c.1298del, p.Gly433fs (NM_001424110.1, NM_001424111.1); c.278del, p.Gly93fs (NM_001424112.1); c.2003del, p.Gly668fs (NM_080679.3); c.2066del, p.Gly689fs (NM_080681.3); short protein forms G775fs, G93fs, G493fs, G668fs, G433fs, G689fs, G715fs.
Identifiers: ClinVar variation 4716085 (VCV004716085.1).

ClinVar aggregate classification (germline): Pathogenic (1 of 4 stars; one submission).

Submission:

Labcorp Genetics (formerly Invitae), Labcorp
Classification: Pathogenic. Last evaluated: 2025-07-28. Review status: criteria provided, single submitter. Criteria: Invitae Variant Classification Sherloc (09022015). Collection method: clinical testing. Allele origin: germline.
Comment: This sequence change creates a premature translational stop signal (p.Gly775Aspfs*39) in the COL11A2 gene. It is expected to result in an absent or disrupted protein product. Loss-of-function variants in COL11A2 are known to be pathogenic (PMID: 10677296, 21204229). This variant is not present in population databases (gnomAD no frequency). This variant has not been reported in the literature in individuals affected with COL11A2-related conditions. For these reasons, this variant has been classified as Pathogenic.

Literature cited by the submitters: PubMed 10677296; PubMed 21204229.